The following is an entry in ClinVar:

ClinVar aggregate classification (germline): Uncertain significance (1 of 4 stars; one submission).

Conditions:
Intellectual developmental disorder, X-linked, syndromic, Turner type. Also called: X-linked intellectual disability, Turner type; Intellectual disability, X-linked syndromic, Turner type. Identifiers: Orphanet 3056, Orphanet 85328, MedGen C2678046, MONDO:0010407, OMIM 309590.

Submission:

3billion
Classification: Uncertain significance for Intellectual developmental disorder, X-linked, syndromic, Turner type. Last evaluated: 2023-10-20. Review status: criteria provided, single submitter. Criteria: ACMG Guidelines, 2015. Collection method: clinical testing. Allele origin: germline. Affected: yes.
Comment: The variant is not observed in the gnomAD v2.1.1 dataset. Predicted Consequence/Location: Missense variant Therefore, this variant is classified as VUS according to the recommendation of ACMG/AMP guideline.

NM_031407.7(HUWE1):c.4133C>A (p.Ala1378Glu)

Gene: HUWE1 (HECT, UBA and WWE domain containing E3 ubiquitin protein ligase 1; minus strand). Cytogenetic location: Xp11.22.
Variant type: single nucleotide variant.
Coding change: c.4133C>A on transcript NM_031407.7 (MANE Select); coding-DNA position 4133, C replaced by A.
Protein change: p.Ala1378Glu; replaces alanine 1378 with glutamic acid.
Molecular consequence: missense variant.
Genome position (GRCh38, 1-based): chrX:53,590,462, G>T on the plus strand (C>A on the coding strand, the complement: HUWE1 is on the minus strand). VCF-style: chrX-53590462-G-T. GRCh37 (hg19) VCF-style: chrX-53617422-G-T.
Other names: short protein forms A1378E.
Identifiers: ClinVar variation 3776147 (VCV003776147.1).